The following is an entry in ClinVar:

ClinVar aggregate classification (germline): Uncertain significance (1 of 4 stars; one submission).

Conditions:
LEPR-related disorder. Also called: LEPR-related condition; LEPR-related disorders.

Allele frequency attached by ClinVar (database versions not stated): 1000 Genomes Project 30x 0.00016; ExAC 0.00019; 1000 Genomes Project 0.00020; gnomAD 0.00027; TOPMed 0.00040.
gnomAD v4.1: 230 of 1,612,334 alleles (0.014%); highest among the groups gnomAD compares: South Asian, 0.11%; 3 homozygotes.

Submission:

PreventionGenetics, part of Exact Sciences
Classification: Uncertain significance for LEPR-related condition. Last evaluated: 2026-05-04. Review status: criteria provided, single submitter. Criteria: ACMG Guidelines, 2015. Collection method: clinical testing. Allele origin: germline.
Comment: The LEPR c.2681C>G variant is predicted to result in the amino acid substitution p.Pro894Arg. This variant occurs at a deep intronic position in the primary transcript for this gene (NM_002303.5:c.2673+3149C>G). To our knowledge, this variant has not been reported in the literature. This variant is reported in 0.080% of alleles in individuals of South Asian descent in gnomAD, which may be too common to be an unreported disease-causing variant. Although we suspect that this variant may be benign, at this time, the clinical significance of this variant is uncertain due to the absence of conclusive functional and genetic evidence.

NM_002303.6(LEPR):c.2673+3149C>G

Gene: LEPR (leptin receptor; plus strand). Cytogenetic location: 1p31.3.
Variant type: single nucleotide variant.
Coding change: c.2673+3149C>G on transcript NM_002303.6 (MANE Select); 3149 bases into the intron after coding-DNA position 2673, C replaced by G.
Molecular consequence: intron variant. On other transcripts: missense variant (1).
Genome position (GRCh38, 1-based): chr1:65,626,130, C>G. VCF-style: chr1-65626130-C-G. GRCh37 (hg19) VCF-style: chr1-66091813-C-G.
Other names: c.2681C>G, p.Pro894Arg (NM_001198688.1); c.2673+3149C>G (NM_001003679.3, NM_001003680.3, NM_001198689.2 and 1 more transcripts); short protein forms P894R.
Identifiers: ClinVar variation 2634107 (VCV002634107.4), dbSNP rs200779194, ClinGen allele CA895087.